The following is an entry in ClinVar:

ClinVar aggregate classification (germline): Uncertain significance (1 of 4 stars; one submission).

Conditions:
Inborn genetic diseases. Identifiers: MedGen C0950123, MeSH D030342.

Submission:

Ambry Genetics
Classification: Uncertain significance for Inborn genetic diseases. Last evaluated: 2025-02-02. Review status: criteria provided, single submitter. Criteria: Ambry Variant Classification Scheme 2023. Collection method: clinical testing. Allele origin: germline.
Comment: The p.Q583K variant (also known as c.1747C>A), located in coding exon 17 of the ANKRD26 gene, results from a C to A substitution at nucleotide position 1747. The glutamine at codon 583 is replaced by lysine, an amino acid with similar properties. This amino acid position is conserved. In addition, this alteration is predicted to be tolerated by in silico analysis. Based on the available evidence, the clinical significance of this variant remains unclear.

NM_014915.3(ANKRD26):c.1747C>A (p.Gln583Lys)

Gene: ANKRD26 (ankyrin repeat domain containing 26; minus strand). Cytogenetic location: 10p12.1.
Variant type: single nucleotide variant.
Coding change: c.1747C>A on transcript NM_014915.3 (MANE Select); coding-DNA position 1747, C replaced by A.
Protein change: p.Gln583Lys; replaces glutamine 583 with lysine.
Molecular consequence: missense variant.
Genome position (GRCh38, 1-based): chr10:27,048,868, G>T on the plus strand (C>A on the coding strand, the complement: ANKRD26 is on the minus strand). VCF-style: chr10-27048868-G-T. GRCh37 (hg19) VCF-style: chr10-27337797-G-T.
Other names: c.1747C>A, p.Gln583Lys (NM_001256053.2); short protein forms Q583K.
Identifiers: ClinVar variation 3870902 (VCV003870902.1).